The following is an entry in ClinVar:

NM_002691.4(POLD1):c.2999G>A (p.Gly1000Asp)

Gene: POLD1 (DNA polymerase delta 1, catalytic subunit; plus strand). Cytogenetic location: 19q13.33.
Variant type: single nucleotide variant.
Coding change: c.2999G>A on transcript NM_002691.4 (MANE Select); coding-DNA position 2999, G replaced by A.
Protein change: p.Gly1000Asp; replaces glycine 1000 with aspartic acid.
Molecular consequence: missense variant. On other transcripts: non-coding transcript variant (1).
Genome position (GRCh38, 1-based): chr19:50,416,655, G>A. VCF-style: chr19-50416655-G-A. GRCh37 (hg19) VCF-style: chr19-50919912-G-A.
Other names: c.2999G>A, p.Gly1000Asp (NM_001256849.1); c.3077G>A, p.Gly1026Asp (NM_001308632.1); short protein forms G1000D, G1026D.
Identifiers: ClinVar variation 2496900 (VCV002496900.2), dbSNP rs2514069243, ClinGen allele CA406986895.

ClinVar aggregate classification (germline): Uncertain significance (1 of 4 stars; one submission).

Conditions:
Hereditary cancer-predisposing syndrome. Also called: Neoplastic Syndromes, Hereditary; Hereditary neoplastic syndrome; Tumor predisposition; Hereditary Cancer Syndrome. Identifiers: Orphanet 140162, MedGen C0027672, MeSH D009386, MONDO:0015356.

Submission:

Ambry Genetics
Classification: Uncertain significance for Hereditary cancer-predisposing syndrome. Last evaluated: 2023-01-26. Review status: criteria provided, single submitter. Criteria: Ambry Variant Classification Scheme 2023. Collection method: clinical testing. Allele origin: germline.
Comment: The p.G1000D variant (also known as c.2999G>A), located in coding exon 23 of the POLD1 gene, results from a G to A substitution at nucleotide position 2999. The glycine at codon 1000 is replaced by aspartic acid, an amino acid with similar properties. This amino acid position is conserved. In addition, this alteration is predicted to be tolerated by in silico analysis. Since supporting evidence is limited at this time, the clinical significance of this alteration remains unclear.